The following is an entry in ClinVar:

NM_000136.3(FANCC):c.538G>A (p.Val180Met)

Genes: FANCC (FA complementation group C; minus strand), AOPEP (aminopeptidase O (putative); plus strand). Cytogenetic location: 9q22.32.
Variant type: single nucleotide variant.
Coding change: c.538G>A on transcript NM_000136.3 (MANE Select); coding-DNA position 538, G replaced by A.
Protein change: p.Val180Met; replaces valine 180 with methionine.
Molecular consequence: missense variant.
Genome position (GRCh38, 1-based): chr9:95,150,071, C>T on the plus strand (G>A on the coding strand, the complement: FANCC is on the minus strand). VCF-style: chr9-95150071-C-T. GRCh37 (hg19) VCF-style: chr9-97912353-C-T.
Other names: c.538G>A, p.Val180Met (NM_001243743.2, NM_001243744.2); short protein forms V180M.
Identifiers: ClinVar variation 420836 (VCV000420836.6), dbSNP rs1064794731, ClinGen allele CA16618888.

ClinVar aggregate classification (germline): Uncertain significance. Review status: criteria provided, multiple submitters, no conflicts (2 of 4 stars). 2 submissions from 2 submitters: Uncertain significance (2). Last evaluated 2019-08-02.

Conditions:
Hereditary cancer-predisposing syndrome. Also called: Hereditary neoplastic syndrome; Tumor predisposition; Neoplastic Syndromes, Hereditary; Hereditary Cancer Syndrome. Identifiers: Orphanet 140162, MedGen C0027672, MeSH D009386, MONDO:0015356.

Allele frequency attached by ClinVar (database versions not stated): TOPMed below 0.00001; gnomAD exomes 0.00001.
gnomAD v4.1: 4 of 1,614,124 alleles (0.00025%); highest among the groups gnomAD compares: Admixed American, 0.0033%; no homozygotes.

Submissions (2):

Ambry Genetics
Classification: Uncertain significance for Hereditary cancer-predisposing syndrome. Last evaluated: 2019-08-02. Review status: criteria provided, single submitter. Criteria: Ambry Variant Classification Scheme 2023. Collection method: clinical testing. Allele origin: germline.
Comment: The p.V180M variant (also known as c.538G>A), located in coding exon 6 of the FANCC gene, results from a G to A substitution at nucleotide position 538. The valine at codon 180 is replaced by methionine, an amino acid with highly similar properties. This amino acid position is not well conserved in available vertebrate species. In addition, this alteration is predicted to be tolerated by in silico analysis. Since supporting evidence is limited at this time, the clinical significance of this alteration remains unclear.

GeneDx
Classification: Uncertain significance. Last evaluated: 2016-04-01. Review status: criteria provided, single submitter. Criteria: GeneDx Variant Classification (06012015). Collection method: clinical testing. Allele origin: germline. Affected: yes.
Comment: This variant is denoted FANCC c.538G>A at the cDNA level, p.Val180Met (V180M) at the protein level, and results in the change of a Valine to a Methionine (GTG>ATG). This variant has not, to our knowledge, been published in the literature as pathogenic or benign. FANCC Val180Met was not observed in approximately 6,500 individuals of European and African American ancestry in the NHLBI Exome Sequencing Project, suggesting it is not a common benign variant in these populations. Since Valine and Methionine share similar properties, this is considered a conservative amino acid substitution. FANCC Val180Met occurs at a position where amino acids with properties similar to Valine are tolerated across species and is located in the region of interaction with GRP94 and Hsp70 (Gordon 2000). In silico analyses predict that this variant is unlikely to alter protein structure or function. Based on currently available evidence, it is unclear whether FANCC Val180Met is a pathogenic or benign variant. We consider it to be a variant of uncertain significance.